The following is an entry in ClinVar:

NM_152743.4(BRAT1):c.104G>A (p.Trp35Ter)

Gene: BRAT1 (BRCA1 associated ATM activator 1; minus strand). Cytogenetic location: 7p22.3.
Variant type: single nucleotide variant.
Coding change: c.104G>A on transcript NM_152743.4 (MANE Select); coding-DNA position 104, G replaced by A.
Protein change: p.Trp35Ter; replaces tryptophan 35 with a stop codon.
Molecular consequence: nonsense. On other transcripts: 5 prime UTR variant (1), non-coding transcript variant (1).
Genome position (GRCh38, 1-based): chr7:2,554,328, C>T on the plus strand (G>A on the coding strand, the complement: BRAT1 is on the minus strand). VCF-style: chr7-2554328-C-T. GRCh37 (hg19) VCF-style: chr7-2593962-C-T.
Other names: c.104G>A, p.Trp35Ter (NM_001350626.2); c.-274G>A (NM_001350627.2); short protein forms W35*.
Identifiers: ClinVar variation 3693185 (VCV003693185.2).
Genomic context (GRCh38, chr7:2,554,328, plus strand): 5'-TCTGGATAGGCAGTAAACAGCAGCACCACCTCCTTACCTCCTTCAGTGACCGTTTTAAAC[C>T]AGTCCAGGAGCTTCTCCAAACAGGTGTCATCTGCCACCGGCTGCCTGGGATCTACCAGAA-3'

ClinVar aggregate classification (germline): Pathogenic (1 of 4 stars; one submission).

Conditions:
Neonatal-onset encephalopathy with rigidity and seizures. Also called: Lethal neonatal spasticity-epileptic encephalopathy syndrome. Identifiers: Orphanet 435845, MedGen C3281029, MONDO:0013784, OMIM 614498.

Submission:

Labcorp Genetics (formerly Invitae), Labcorp
Classification: Pathogenic for Neonatal-onset encephalopathy with rigidity and seizures. Last evaluated: 2025-03-31. Review status: criteria provided, single submitter. Criteria: Invitae Variant Classification Sherloc (09022015). Collection method: clinical testing. Allele origin: germline.
Comment: This sequence change creates a premature translational stop signal (p.Trp35*) in the BRAT1 gene. It is expected to result in an absent or disrupted protein product. Loss-of-function variants in BRAT1 are known to be pathogenic (PMID: 22279524, 25500575). This variant is not present in population databases (gnomAD no frequency). This variant has not been reported in the literature in individuals affected with BRAT1-related conditions. For these reasons, this variant has been classified as Pathogenic.

Literature cited by the submitters: PubMed 22279524; PubMed 25500575.